The following is an entry in ClinVar:

NM_014908.4(DOLK):c.1503_1504del (p.Tyr501_Ser502delinsTer)

Gene: DOLK (dolichol kinase; minus strand). Cytogenetic location: 9q34.11.
Variant type: Deletion.
Coding change: c.1503_1504del on transcript NM_014908.4 (MANE Select); coding-DNA positions 1503 to 1504, 2 bases deleted (CA; older notation c.1503_1504delCA).
Protein change: p.Tyr501_Ser502delinsTer.
Molecular consequence: nonsense. On other transcripts: frameshift variant (1).
Genome position (GRCh38, 1-based): chr9:128,945,800-128,945,801, TG deleted on the plus strand (CA on the coding strand, the reverse complement: DOLK is on the minus strand); deleting any 2 consecutive bases within chr9:128,945,800-128,945,802 gives the same sequence; the c. name uses the placement nearest the transcript's 3' end. VCF-style (leftmost placement, unchanged base first): chr9-128945799-CTG-C. GRCh37 (hg19) VCF-style: chr9-131708078-CTG-C.
Other names: c.1503_1504delCA (NM_014908.3).
Identifiers: ClinVar variation 4613989 (VCV004613989.1).

ClinVar aggregate classification (germline): Uncertain significance (1 of 4 stars; one submission).

Conditions:
Cardiovascular phenotype. Identifiers: MedGen CN230736.

Submission:

Ambry Genetics
Classification: Uncertain significance for Cardiovascular phenotype. Last evaluated: 2025-11-17. Review status: criteria provided, single submitter. Criteria: Ambry Variant Classification Scheme 2023. Collection method: clinical testing. Allele origin: germline.
Comment: The c.1503_1504delCA variant, located in coding exon 1 of the DOLK gene, results from a deletion of two nucleotides at nucleotide positions 1503 to 1504, causing a translational frameshift with a predicted alternate stop codon (p.Y501*). This alteration occurs at the 3' terminus of theDOLK gene, is not expected to trigger nonsense-mediated mRNAdecay, and impacts the last 7% of the protein. The exact functional effect of this alteration is unknown. Based on the available evidence, the clinical significance of this variant remains unclear.